The following is an entry in ClinVar:

ClinVar aggregate classification (germline): Uncertain significance. Review status: criteria provided, multiple submitters, no conflicts (2 of 4 stars). 2 submissions from 2 submitters: Uncertain significance (2). Last evaluated 2023-12-13.

Conditions:
Cardiac arrhythmia. Also called: Arrhythmia; Cardiac rhythm disease. Identifiers: MedGen C0003811, MONDO:0007263, HP:0011675.

gnomAD v4.1: 1 of 1,605,506 alleles (0.000062%); no homozygotes.

Submissions (2):

Color Diagnostics, LLC DBA Color Health
Classification: Uncertain significance for Cardiac arrhythmia. Last evaluated: 2023-12-13. Review status: criteria provided, single submitter. Criteria: ACMG Guidelines, 2015. Collection method: clinical testing. Allele origin: germline.
Comment: This missense variant replaces glutamic acid with aspartic acid at codon 91 of the KCNH2 protein. Computational prediction is inconclusive regarding the impact of this variant on protein structure and function (internally defined REVEL score threshold 0.5 < inconclusive < 0.7, PMID: 27666373). To our knowledge, functional studies have not been reported for this variant. This variant has been reported in an individual suspected of having epilepsy (PMID: 31696929). This variant has not been identified in the general population by the Genome Aggregation Database (gnomAD). The available evidence is insufficient to determine the role of this variant in disease conclusively. Therefore, this variant is classified as a Variant of Uncertain Significance.

GeneDx
Classification: Uncertain significance. Last evaluated: 2019-05-16. Review status: criteria provided, single submitter. Criteria: GeneDx Variant Classification Process June 2021. Collection method: clinical testing. Allele origin: germline. Affected: yes.
Comment: Not observed in large population cohorts (Lek et al., 2016); In silico analysis, which includes protein predictors and evolutionary conservation, supports that this variant does not alter protein structure/function; Has not been previously published as pathogenic or benign to our knowledge

Literature cited by the submitters: PubMed 31696929 (cited by Color Diagnostics, LLC DBA Color Health).

NM_000238.4(KCNH2):c.273G>T (p.Glu91Asp)

Gene: KCNH2 (potassium voltage-gated channel subfamily H member 2; minus strand). Cytogenetic location: 7q36.1.
Variant type: single nucleotide variant.
Coding change: c.273G>T on transcript NM_000238.4 (MANE Select); coding-DNA position 273, G replaced by T.
Protein change: p.Glu91Asp; replaces glutamic acid 91 with aspartic acid.
Molecular consequence: missense variant.
Genome position (GRCh38, 1-based): chr7:150,974,745, C>A on the plus strand (G>T on the coding strand, the complement: KCNH2 is on the minus strand). VCF-style: chr7-150974745-C-A. GRCh37 (hg19) VCF-style: chr7-150671833-C-A.
Other names: c.96G>T, p.Glu32Asp (NM_001406755.1); c.273G>T, p.Glu91Asp (NM_172056.3); short protein forms E91D, E32D.
Identifiers: ClinVar variation 1305882 (VCV001305882.6), dbSNP rs1433772415, ClinGen allele CA072378.